The following is an entry in ClinVar:

ClinVar aggregate classification (germline): Uncertain significance. Review status: criteria provided, multiple submitters, no conflicts (2 of 4 stars). 2 submissions from 2 submitters: Uncertain significance (2). Last evaluated 2022-06-16.

Conditions:
Mitochondrial disease. Also called: Mitochondrial disorder; Mitochondrial disorders. Identifiers: Orphanet 68380, MedGen C0751651, MeSH D028361, MONDO:0044970.

Allele frequency attached by ClinVar (database versions not stated): gnomAD 0.00002 and 0.00003; gnomAD exomes 0.00002 and 0.00007; ExAC 0.00003; TOPMed 0.00003.
gnomAD v4.1: 110 of 1,613,006 alleles (0.0068%); highest among the groups gnomAD compares: Non-Finnish European, 0.0089%; no homozygotes.

Submissions (2):

Department of Pathology and Laboratory Medicine, Sinai Health System
Classification: Uncertain significance for mitochondrial disease. Last evaluated: 2022-06-16. Review status: criteria provided, single submitter. Criteria: ACMG Guidelines, 2015. Collection method: research. Allele origin: germline.

GeneDx
Classification: Uncertain significance. Last evaluated: 2013-09-09. Review status: criteria provided, single submitter. Criteria: GeneDx Variant Classification (06012015). Collection method: clinical testing. Allele origin: germline. Affected: yes.
Comment: A variant of unknown significance has been identified in the AARS2 gene. The T938P missense substitution has not been published as pathogenic, nor has it been reported as a benign polymorphism to our knowledge. The amino acid change is non-conservative as a polar Threonine residue is replaced by a non-polar Proline residue with a unique ring structure. This change occurs at a position in the AARS2 protein that is not highly conserved. In-silico analyses are not consistent in their predictions of whether or not T938P is damaging to the AARS2 protein. Therefore, based on the currently available information, it is unclear whether T938P is a pathogenic variant or a rare benign variant.

NM_020745.4(AARS2):c.2812A>C (p.Thr938Pro)

Gene: AARS2 (alanyl-tRNA synthetase 2, mitochondrial; minus strand). Cytogenetic location: 6p21.1.
Variant type: single nucleotide variant.
Coding change: c.2812A>C on transcript NM_020745.4 (MANE Select); coding-DNA position 2812, A replaced by C.
Protein change: p.Thr938Pro; replaces threonine 938 with proline.
Molecular consequence: missense variant.
Genome position (GRCh38, 1-based): chr6:44,300,693, T>G on the plus strand (A>C on the coding strand, the complement: AARS2 is on the minus strand). VCF-style: chr6-44300693-T-G. GRCh37 (hg19) VCF-style: chr6-44268430-T-G.
Other names: p.T938P:ACA>CCA; short protein forms T938P.
Identifiers: ClinVar variation 213972 (VCV000213972.3), dbSNP rs763868546, ClinGen allele CA323234.
Genomic context (GRCh38, chr6:44,300,693, plus strand): 5'-GTGAGCCCCACGCCTTGCCCCCCATGTGGCTGCACACTGCCAGTGCCCAGGCCTCTGCTG[T>G]GAAGGTGGGCATGGCACCCTAGGAACAGAATCAGAAGAGGAAGCGATGCAGAGTGGCCCT-3'
Protein context (NP_065796.2, residues 928-948): QVAQGAMPTF[Thr938Pro]AEAWALAVCS